The following is an entry in ClinVar:

ClinVar aggregate classification (germline): Conflicting classifications of pathogenicity. Review status: criteria provided, conflicting classifications (1 of 4 stars). 3 submissions from 3 submitters: Uncertain significance (2); Likely benign (1). Last evaluated 2025-10-02.

Conditions:
Primary familial hypertrophic cardiomyopathy (HCM). Identifiers: Orphanet 99739, MedGen C0949658, MeSH D024741, MONDO:0024573. Inheritance: Various modes of inheritance.
Dilated cardiomyopathy 1AA (CMD1AA). Also called: CARDIOMYOPATHY, DILATED, 1AA, WITH OR WITHOUT LEFT VENTRICULAR NONCOMPACTION; CARDIOMYOPATHY, FAMILIAL HYPERTROPHIC, 23, WITH OR WITHOUT LEFT VENTRICULAR NONCOMPACTION; Cardiomyopathy, dilated, 1AA, with or without LVNC. Identifiers: Orphanet 154, MedGen C2677338, MONDO:0012808, OMIM 612158.

Allele frequency attached by ClinVar (database versions not stated): gnomAD 0.00003.
gnomAD v4.1: 7 of 1,613,038 alleles (0.00043%); highest among the groups gnomAD compares: African/African-American, 0.0067%; no homozygotes.

Submissions (3):

Labcorp Genetics (formerly Invitae), Labcorp
Classification: Uncertain significance for Primary familial hypertrophic cardiomyopathy; Dilated cardiomyopathy 1AA. Last evaluated: 2025-10-02. Review status: criteria provided, single submitter. Criteria: Invitae Variant Classification Sherloc (09022015). Collection method: clinical testing. Allele origin: germline.
Comment: This sequence change replaces alanine, which is neutral and non-polar, with serine, which is neutral and polar, at codon 503 of the ACTN2 protein (p.Ala503Ser). This variant is not present in population databases (gnomAD no frequency). This variant has not been reported in the literature in individuals affected with ACTN2-related conditions. ClinVar contains an entry for this variant (Variation ID: 1339304). Invitae Evidence Modeling of protein sequence and biophysical properties (such as structural, functional, and spatial information, amino acid conservation, physicochemical variation, residue mobility, and thermodynamic stability) indicates that this missense variant is not expected to disrupt ACTN2 protein function with a negative predictive value of 80%. In summary, the available evidence is currently insufficient to determine the role of this variant in disease. Therefore, it has been classified as a Variant of Uncertain Significance.

Molecular Diagnostic Laboratory for Inherited Cardiovascular Disease, Montreal Heart Institute
Classification: Likely benign. Last evaluated: 2025-04-09. Review status: criteria provided, single submitter. Criteria: ACMG Guidelines, 2015. Collection method: clinical testing. Allele origin: germline. Affected: no.
Comment: BP4

Phosphorus, Inc.
Classification: Uncertain significance. Last evaluated: 2022-01-17. Review status: criteria provided, single submitter. Criteria: ACMG Guidelines, 2015. Collection method: clinical testing. Allele origin: germline. Inheritance: Autosomal dominant inheritance.
Comment: This missense variant results in an amino acid substitution of alanine with serine at codon 503 of the ACTN2 gene. The variant has no entry in ClinVar and has not occurred in population databases. This position is conserved. In silico functional algorithms agreed, with PolyPhen calling it benign, and SIFT tolerated, but no functional studies were performed to confirm these predictions. The variant has not occurred in literature associated with disease. Considering that this is a rare variant, whose impact on the protein and association with disease are unknown, it has been classified as a Variant of Uncertain Significance.

NM_001103.4(ACTN2):c.1507G>T (p.Ala503Ser)

Gene: ACTN2 (actinin alpha 2; plus strand). Cytogenetic location: 1q43.
Variant type: single nucleotide variant.
Coding change: c.1507G>T on transcript NM_001103.4 (MANE Select); coding-DNA position 1507, G replaced by T.
Protein change: p.Ala503Ser; replaces alanine 503 with serine.
Molecular consequence: missense variant.
Genome position (GRCh38, 1-based): chr1:236,747,767, G>T. VCF-style: chr1-236747767-G-T. GRCh37 (hg19) VCF-style: chr1-236911067-G-T.
Other names: c.1507G>T, p.Ala503Ser (NM_001278343.2); c.883G>T, p.Ala295Ser (NM_001278344.2); c.1507G>T (NM_001103.3); short protein forms A295S, A503S.
Identifiers: ClinVar variation 1339304 (VCV001339304.7), dbSNP rs1057460296, ClinGen allele CA39733011.